The following is an entry in ClinVar:

NM_001195263.2(PDZD7):c.2354G>A (p.Ser785Asn)

Gene: PDZD7 (PDZ domain containing 7; minus strand). Cytogenetic location: 10q24.31.
Variant type: single nucleotide variant.
Coding change: c.2354G>A on transcript NM_001195263.2 (MANE Select); coding-DNA position 2354, G replaced by A.
Protein change: p.Ser785Asn; replaces serine 785 with asparagine.
Molecular consequence: missense variant.
Genome position (GRCh38, 1-based): chr10:101,010,535, C>T on the plus strand (G>A on the coding strand, the complement: PDZD7 is on the minus strand). VCF-style: chr10-101010535-C-T. GRCh37 (hg19) VCF-style: chr10-102770292-C-T.
Other names: short protein forms S785N.
Identifiers: ClinVar variation 1521018 (VCV001521018.8), dbSNP rs2133998543, ClinGen allele CA378224466.

ClinVar aggregate classification (germline): Uncertain significance (1 of 4 stars; one submission).

Submission:

Labcorp Genetics (formerly Invitae), Labcorp
Classification: Uncertain significance. Last evaluated: 2024-08-30. Review status: criteria provided, single submitter. Criteria: Invitae Variant Classification Sherloc (09022015). Collection method: clinical testing. Allele origin: germline.
Comment: This sequence change replaces serine, which is neutral and polar, with asparagine, which is neutral and polar, at codon 785 of the PDZD7 protein (p.Ser785Asn). This variant is not present in population databases (gnomAD no frequency). This variant has not been reported in the literature in individuals affected with PDZD7-related conditions. ClinVar contains an entry for this variant (Variation ID: 1521018). Experimental studies and prediction algorithms are not available or were not evaluated, and the functional significance of this variant is currently unknown. In summary, the available evidence is currently insufficient to determine the role of this variant in disease. Therefore, it has been classified as a Variant of Uncertain Significance.